The following is an entry in ClinVar:

ClinVar aggregate classification (germline): Likely pathogenic. Review status: reviewed by expert panel (3 of 4 stars). 2 submissions from 2 submitters: Likely pathogenic (1). 1 of the submissions does not count toward it. Last evaluated 2026-10-05.

Conditions:
Hereditary thrombocytopenia and hematologic cancer predisposition syndrome. Identifiers: Orphanet 71290, MedGen CN281654, MONDO:0011071.
Hereditary thrombocytopenia and hematological cancer predisposition syndrome associated with RUNX1. Also called: RUNX1 Familial Platelet Disorder with Associated Myeloid Malignancies; Familial Platelet Disorder with Propensity to Acute Myelogenous Leukemia; Familial thrombocytopenia with propensity to acute myelogenous leukemia; PLATELET DISORDER, ASPIRIN-LIKE. Identifiers: Orphanet 71290, MedGen C1832388, MeSH C563324, MONDO:0100083, OMIM 601399.

Submissions (2):

ClinGen Myeloid Malignancy Variant Curation Expert Panel
Classification: Likely pathogenic for Hereditary thrombocytopenia and hematologic cancer predisposition syndrome. Last evaluated: 2026-10-05. Review status: reviewed by expert panel. Criteria: ClinGen MyeloMalig ACMG Specifications V3.1. Collection method: curation. Allele origin: germline. Inheritance: Autosomal dominant inheritance.
Comment: NM_001754.5(RUNX1):c.1214_1217dup (p.Tyr407ValfsTer?) is a frameshift variant which is not predicted to undergo NMD (PVS1_Strong). This variant is downstream of c.98 (PM5_Supporting) and is completely absent from all population databases with at least 20x coverage for RUNX1 (PM2_Supporting). In summary, this variant meets criteria to be classified as likely pathogenic. ACMG/AMP criteria applied, as specified by the ClinGen Myeloid Malignancy Variant Curation Expert Panel for RUNX1: PVS1_Strong, PM5_Supporting, PM2_Supporting.

Labcorp Genetics (formerly Invitae), Labcorp
Classification: Uncertain significance for Hereditary thrombocytopenia and hematological cancer predisposition syndrome associated with RUNX1. Last evaluated: 2020-03-18. Review status: criteria provided, single submitter. Criteria: Invitae Variant Classification Sherloc (09022015). Collection method: clinical testing. Allele origin: germline. Not counted in ClinVar's aggregate classification.
Comment: This sequence change results in a frameshift in the RUNX1 gene (p.Tyr407Valfs*194). While this is not anticipated to result in nonsense mediated decay, it is expected to disrupt the last 74 amino acids of the RUNX1 protein and extend the protein by an additional 119 amino acids. This variant is not present in population databases (ExAC no frequency). This variant has not been reported in the literature in individuals with RUNX1-related conditions. In summary, the available evidence is currently insufficient to determine the role of this variant in disease. Therefore, it has been classified as a Variant of Uncertain Significance. This variant disrupts the VWRPY motif (AAs 476-480) of the RUNX1 protein, which is required for binding to the transcriptional co-repressor Transducin-like enhancer of split (PMID: 9837750, 15749889). Although this motif is required for proper regulation of some RUNX1 target genes (PMID: 15749889, 14504086), deletion of this sequence does not significantly impact hematopoietic development or viability in mice (PMID: 14504086, 10594034). Therefore, the clinical significance of disrupting this domain is uncertain.

Literature cited by the submitters: PubMed 9837750 (cited by Labcorp Genetics (formerly Invitae), Labcorp); PubMed 15749889 (cited by Labcorp Genetics (formerly Invitae), Labcorp); PubMed 14504086 (cited by Labcorp Genetics (formerly Invitae), Labcorp); PubMed 10594034 (cited by Labcorp Genetics (formerly Invitae), Labcorp).

NM_001754.5(RUNX1):c.1214_1217dup (p.Tyr407fs)

Gene: RUNX1 (RUNX family transcription factor 1; minus strand). Cytogenetic location: 21q22.12.
Variant type: Duplication.
Coding change: c.1214_1217dup on transcript NM_001754.5 (MANE Select); coding-DNA positions 1214 to 1217, 4 bases duplicated (TGTA; older notation c.1214_1217dupTGTA).
Protein change: p.Tyr407fs; shifts the reading frame from tyrosine 407.
Molecular consequence: frameshift variant.
Genome position (GRCh38, 1-based): chr21:34,792,361-34,792,364, TACA duplicated on the plus strand (TGTA on the coding strand, the reverse complement: RUNX1 is on the minus strand). VCF-style (leftmost placement, unchanged base first): chr21-34792360-G-GTACA. GRCh37 (hg19) VCF-style: chr21-36164657-G-GTACA.
Other names: NM_001754.5(RUNX1):c.1214_1217dup; p.Tyr407fs; c.1133_1136dup, p.Tyr380fs (NM_001001890.3); short protein forms Y380fs, Y407fs.
Identifiers: ClinVar variation 1041897 (VCV001041897.8), dbSNP rs2056453893, ClinGen allele CA645614063.
Genomic context (GRCh38, chr21:34,792,360, plus strand): 5'-CGGCGGCGAGCGCTCGCCGCCCACCATGGAGAACTGGTAGGAGCCGGCCGAGGCGCCGTA[G>GTACA]TACAGGTGGTAGGAGGGCGAGCTGGCTTGGAACGGGCCTCCCTGCGCTTGCGACGAGCCG-3'